The following is an entry in ClinVar:

NM_000179.3(MSH6):c.2943T>C (p.Ile981=)

Gene: MSH6 (mutS homolog 6; plus strand). Cytogenetic location: 2p16.3.
Variant type: single nucleotide variant.
Coding change: c.2943T>C on transcript NM_000179.3 (MANE Select); coding-DNA position 2943, T replaced by C.
Protein change: p.Ile981=; no amino-acid change (isoleucine 981 retained).
Molecular consequence: synonymous variant.
Genome position (GRCh38, 1-based): chr2:47,800,926, T>C. VCF-style: chr2-47800926-T-C. GRCh37 (hg19) VCF-style: chr2-48028065-T-C.
Other names: c.2553T>C, p.Ile851= (NM_001281492.2); c.2037T>C, p.Ile679= (NM_001281493.2, NM_001281494.2).
Identifiers: ClinVar variation 486910 (VCV000486910.17), dbSNP rs876661170, ClinGen allele CA426122072.

ClinVar aggregate classification (germline): Benign/Likely benign. Review status: criteria provided, multiple submitters, no conflicts (2 of 4 stars). 3 submissions from 3 submitters: Benign (1); Likely benign (2). Last evaluated 2025-01-02.

Conditions:
Hereditary cancer-predisposing syndrome. Also called: Tumor predisposition; Hereditary Cancer Syndrome; Hereditary neoplastic syndrome; Neoplastic Syndromes, Hereditary. Identifiers: Orphanet 140162, MedGen C0027672, MeSH D009386, MONDO:0015356.
Hereditary nonpolyposis colorectal neoplasms. Identifiers: MedGen C0009405, MeSH D003123.
Lynch syndrome 5 (LYNCH5). Also called: Hereditary non-polyposis colorectal cancer, type 5; Colorectal cancer, hereditary nonpolyposis, type 5. Identifiers: Orphanet 144, MedGen C1833477, MONDO:0013710, OMIM 614350. Disease mechanism: loss of function.

Submissions (3):

Myriad Genetics, Inc.
Classification: Benign for Lynch syndrome 5. Last evaluated: 2025-01-02. Review status: criteria provided, single submitter. Criteria: Myriad Autosomal Dominant, Autosomal Recessive and X-Linked Classification Criteria (2023). Collection method: clinical testing. Allele origin: unknown.
Comment: This variant is considered benign. This variant is a silent/synonymous amino acid change and it is not expected to impact splicing.

Labcorp Genetics (formerly Invitae), Labcorp
Classification: Likely benign for Hereditary nonpolyposis colorectal neoplasms. Last evaluated: 2019-11-05. Review status: criteria provided, single submitter. Criteria: Invitae Variant Classification Sherloc (09022015). Collection method: clinical testing. Allele origin: germline.

Ambry Genetics
Classification: Likely benign for Hereditary cancer-predisposing syndrome. Last evaluated: 2017-04-13. Review status: criteria provided, single submitter. Criteria: Ambry Variant Classification Scheme 2023. Collection method: clinical testing. Allele origin: germline.